The following is an entry in ClinVar:

NM_004284.6(CHD1L):c.2176C>A (p.His726Asn)

Gene: CHD1L (chromodomain helicase DNA binding protein 1 like; plus strand). Cytogenetic location: 1q21.1.
Variant type: single nucleotide variant.
Coding change: c.2176C>A on transcript NM_004284.6 (MANE Select); coding-DNA position 2176, C replaced by A.
Protein change: p.His726Asn; replaces histidine 726 with asparagine.
Molecular consequence: missense variant. On other transcripts: non-coding transcript variant (16).
Genome position (GRCh38, 1-based): chr1:147,286,455, C>A. VCF-style: chr1-147286455-C-A. GRCh37 (hg19) VCF-style: chr1-146758132-C-A.
Other names: c.1876C>A, p.His626Asn (NM_001256336.3); c.1333C>A, p.His445Asn (NM_001256337.3, NM_001348456.2, NM_001348457.2 and 9 more transcripts); c.1564C>A, p.His522Asn (NM_001256338.3); c.1960C>A, p.His654Asn (NM_001348451.2, NM_001348452.2); c.1837C>A, p.His613Asn (NM_001348453.2, NM_024568.4); c.1720C>A, p.His574Asn (NM_001348454.2); c.1687C>A, p.His563Asn (NM_001348455.2); c.2176C>A (NM_004284.3); short protein forms H445N, H522N, H563N, H574N, H613N, H626N, H654N, H726N.
Identifiers: ClinVar variation 3032505 (VCV003032505.3), dbSNP rs782032017, ClinGen allele CA1063982.

ClinVar aggregate classification (germline): Uncertain significance. Review status: criteria provided, single submitter (1 of 4 stars). 2 submissions from 2 submitters: Uncertain significance (1). 1 of the submissions does not count toward it. Last evaluated 2024-12-28.

Conditions:
CHD1L-related disorder. Also called: CHD1L-related condition.

Allele frequency attached by ClinVar (database versions not stated): TOPMed below 0.00001; gnomAD 0.00001; ExAC 0.00002.
gnomAD v4.1: 7 of 1,613,964 alleles (0.00043%); highest among the groups gnomAD compares: African/African-American, 0.0013%; no homozygotes.

Submissions (2):

Ambry Genetics
Classification: Uncertain significance. Last evaluated: 2024-12-28. Review status: criteria provided, single submitter. Criteria: Ambry Variant Classification Scheme 2023. Collection method: clinical testing. Allele origin: germline.

PreventionGenetics, part of Exact Sciences
Classification: Uncertain significance for CHD1L-related condition. Last evaluated: 2024-02-22. Review status: no assertion criteria provided. Collection method: clinical testing. Allele origin: germline. Not counted in ClinVar's aggregate classification.
Comment: The CHD1L c.2176C>A variant is predicted to result in the amino acid substitution p.His726Asn. To our knowledge, this variant has not been reported in the literature. This variant is reported in 0.00088% of alleles in individuals of European (Non-Finnish) descent in gnomAD. At this time, the clinical significance of this variant is uncertain due to the absence of conclusive functional and genetic evidence.